The following is an entry in ClinVar:

ClinVar aggregate classification (germline): Uncertain significance (1 of 4 stars; one submission).

Conditions:
Hereditary cancer-predisposing syndrome. Also called: Hereditary Cancer Syndrome; Neoplastic Syndromes, Hereditary; Tumor predisposition; Hereditary neoplastic syndrome. Identifiers: Orphanet 140162, MedGen C0027672, MeSH D009386, MONDO:0015356.

Submission:

Ambry Genetics
Classification: Uncertain significance for Hereditary cancer-predisposing syndrome. Last evaluated: 2022-08-19. Review status: criteria provided, single submitter. Criteria: Ambry Variant Classification Scheme 2023. Collection method: clinical testing. Allele origin: germline.
Comment: The p.R1771T variant (also known as c.5312G>C), located in coding exon 34 of the ATM gene, results from a G to C substitution at nucleotide position 5312. The arginine at codon 1771 is replaced by threonine, an amino acid with similar properties. This amino acid position is not well conserved in available vertebrate species. In addition, the in silico prediction for this alteration is inconclusive. Since supporting evidence is limited at this time, the clinical significance of this alteration remains unclear.

NM_000051.4(ATM):c.5312G>C (p.Arg1771Thr)

Gene: ATM (ATM serine/threonine kinase; plus strand). Cytogenetic location: 11q22.3.
Variant type: single nucleotide variant.
Coding change: c.5312G>C on transcript NM_000051.4 (MANE Select); coding-DNA position 5312, G replaced by C.
Protein change: p.Arg1771Thr; replaces arginine 1771 with threonine.
Molecular consequence: missense variant.
Genome position (GRCh38, 1-based): chr11:108,301,782, G>C. VCF-style: chr11-108301782-G-C. GRCh37 (hg19) VCF-style: chr11-108172509-G-C.
Other names: c.5312G>C, p.Arg1771Thr (NM_001351834.2); short protein forms R1771T.
Identifiers: ClinVar variation 481259 (VCV000481259.5), dbSNP rs1416930012, ClinGen allele CA382542802.